The following is an entry in ClinVar:

NM_017636.4(TRPM4):c.3613C>T (p.Pro1205Ser)

Gene: TRPM4 (transient receptor potential cation channel subfamily M member 4; plus strand). Cytogenetic location: 19q13.33.
Variant type: single nucleotide variant.
Coding change: c.3613C>T on transcript NM_017636.4 (MANE Select); coding-DNA position 3613, C replaced by T.
Protein change: p.Pro1205Ser; replaces proline 1205 with serine.
Molecular consequence: missense variant.
Genome position (GRCh38, 1-based): chr19:49,211,242, C>T. VCF-style: chr19-49211242-C-T. GRCh37 (hg19) VCF-style: chr19-49714499-C-T.
Other names: c.3178C>T, p.Pro1060Ser (NM_001195227.2); c.3268C>T, p.Pro1090Ser (NM_001321281.2); c.2005C>T, p.Pro669Ser (NM_001321282.2); c.3091C>T, p.Pro1031Ser (NM_001321283.2); c.2551C>T, p.Pro851Ser (NM_001321285.2); short protein forms P1031S, P1060S, P1090S, P1205S, P669S, P851S.
Identifiers: ClinVar variation 3624946 (VCV003624946.2).

ClinVar aggregate classification (germline): Uncertain significance (1 of 4 stars; one submission).

Conditions:
Progressive familial heart block type IB (PFHB1B). Identifiers: Orphanet 871, MedGen C1970298, MONDO:0011474, OMIM 604559.

gnomAD v4.1: 14 of 1,588,290 alleles (0.00088%); highest among the groups gnomAD compares: Non-Finnish European, 0.0012%; no homozygotes.

Submission:

Labcorp Genetics (formerly Invitae), Labcorp
Classification: Uncertain significance for Progressive familial heart block type IB. Last evaluated: 2024-08-09. Review status: criteria provided, single submitter. Criteria: Invitae Variant Classification Sherloc (09022015). Collection method: clinical testing. Allele origin: germline.
Comment: This sequence change replaces proline, which is neutral and non-polar, with serine, which is neutral and polar, at codon 1205 of the TRPM4 protein (p.Pro1205Ser). This variant is present in population databases (no rsID available, gnomAD 0.001%). This variant has not been reported in the literature in individuals affected with TRPM4-related conditions. An algorithm developed to predict the effect of missense changes on protein structure and function outputs the following: PolyPhen-2: "Possibly Damaging". The serine amino acid residue is found in multiple mammalian species, which suggests that this missense change does not adversely affect protein function. In summary, the available evidence is currently insufficient to determine the role of this variant in disease. Therefore, it has been classified as a Variant of Uncertain Significance.